The following is an entry in ClinVar:

NM_000180.4(GUCY2D):c.3224+3G>T

Gene: GUCY2D (guanylate cyclase 2D, retinal; plus strand). Cytogenetic location: 17p13.1.
Variant type: single nucleotide variant.
Coding change: c.3224+3G>T on transcript NM_000180.4 (MANE Select); 3 bases into the intron after coding-DNA position 3224, G replaced by T.
Molecular consequence: intron variant.
Genome position (GRCh38, 1-based): chr17:8,016,293, G>T. VCF-style: chr17-8016293-G-T. GRCh37 (hg19) VCF-style: chr17-7919611-G-T.
Identifiers: ClinVar variation 974673 (VCV000974673.7), dbSNP rs1258995063, ClinGen allele CA1139664118.

ClinVar aggregate classification (germline): Likely pathogenic. Review status: reviewed by expert panel (3 of 4 stars). 3 submissions from 3 submitters: Likely pathogenic (1). 2 of the submissions do not count toward it. Last evaluated 2026-09-09.

Conditions:
GUCY2D-related recessive retinopathy. Also called: Recessive GUCY2D retinopathy. Identifiers: MedGen CN305603, MONDO:0100453.
Cone-rod dystrophy 6 (CORD6). Also called: Cone dystrophy progressive; RETINAL CONE DYSTROPHY 2. Identifiers: Orphanet 1872, MedGen C1866293, MONDO:0011143, OMIM 601777.
Leber congenital amaurosis 1 (LCA1). Also called: Congenital absence of the rods and cones; Leber's congenital tapetoretinal degeneration; Leber's congenital tapetoretinal dysplasia; AMAUROSIS CONGENITA OF LEBER I; RETINAL BLINDNESS, CONGENITAL. Identifiers: Orphanet 65, MedGen C2931258, MONDO:0008764, OMIM 204000.

Submissions (3):

ClinGen Leber Congenital Amaurosis/early Onset Retinal Dystrophy Variant Curation Expert Panel, ClinGen
Classification: Likely pathogenic for GUCY2D-related recessive retinopathy. Last evaluated: 2026-09-09. Review status: reviewed by expert panel. Criteria: ClinGen LCAeoRD ACMG Specifications GUCY2D V1.0.0. Collection method: curation. Allele origin: germline. Inheritance: Autosomal recessive inheritance.
Comment: NM_000180.4(GUCY2D):c.3224+3G>T is a non-canonical splice variant located in intron 18. This variant is present in gnomAD v.4.1.1 at a total allele frequency of 0.000001282, with 2 alleles /1560128 total alleles, which is lower than the ClinGen LCA/eoRD VCEP PM2_Supporting threshold of <0.0004 (PM2_Supporting). The splicing impact predictor SpliceAI gives a score of 0.44, which is above the ClinGen LCA/eoRD VCEP recommended threshold of ≥0.2 and predicts a damaging impact on splicing (PP3). This variant is predicted to have the same splicing impact as NM_000180.4(GUCY2D):c.3224+1G>C, a splice variant within the same donor/acceptor motif, previously classified as Pathogenic by the LCA/eoRD VCEP. (PS1_Moderate). At least one proband harboring this variant exhibits a phenotype including early onset retinal dystrophy (eoRD) (0.5), an onset between birth and age five years (1), nystagmus (1), absent rod (0.5) and cone (1) electroretinogram (ERG) responses, photophobia (1), decreased peripheral vision (1), RPE mottling (0.5) and had retinal dystrophy gene panel testing that did not provide an alternative explanation for visual impairment (2) which together are specific for GUCY2D-related recessive retinopathy (8.5 points, personal communication from VCEP member, PP4_moderate). In summary, this variant meets the criteria to be classified as Likely Pathogenic for GUCY2D-related recessive retinopathy based on the ACMG/AMP criteria applied, as specified by the ClinGen LCA/eoRD VCEP: PP4_Moderate, PS1_Moderate, PP3, PM2_Supporting. (VCEP specifications version 1.0.0).

Labcorp Genetics (formerly Invitae), Labcorp
Classification: Uncertain significance for Leber congenital amaurosis 1; Cone-rod dystrophy 6. Last evaluated: 2023-07-17. Review status: criteria provided, single submitter. Criteria: Invitae Variant Classification Sherloc (09022015). Collection method: clinical testing. Allele origin: germline. Not counted in ClinVar's aggregate classification.
Comment: In summary, the available evidence is currently insufficient to determine the role of this variant in disease. Therefore, it has been classified as a Variant of Uncertain Significance. Variants that disrupt the consensus splice site are a relatively common cause of aberrant splicing (PMID: 17576681, 9536098). Algorithms developed to predict the effect of sequence changes on RNA splicing suggest that this variant may disrupt the consensus splice site. ClinVar contains an entry for this variant (Variation ID: 974673). This variant has not been reported in the literature in individuals affected with GUCY2D-related conditions. This variant is not present in population databases (gnomAD no frequency). This sequence change falls in intron 18 of the GUCY2D gene. It does not directly change the encoded amino acid sequence of the GUCY2D protein. It affects a nucleotide within the consensus splice site.

Laboratory of Genetics in Ophthalmology, Institut Imagine
Classification: Likely pathogenic for Leber congenital amaurosis 1. Review status: no assertion criteria provided. Collection method: research. Allele origin: inherited. Affected: yes. Observed: 1 variant allele. Not counted in ClinVar's aggregate classification.

Literature cited by the submitters: PubMed 17576681 (cited by Labcorp Genetics (formerly Invitae), Labcorp); PubMed 9536098 (cited by Labcorp Genetics (formerly Invitae), Labcorp).